The following is an entry in ClinVar:

NM_015294.6(TRIM37):c.2252G>A (p.Arg751Gln)

Gene: TRIM37 (tripartite motif containing 37; minus strand). Cytogenetic location: 17q22.
Variant type: single nucleotide variant.
Coding change: c.2252G>A on transcript NM_015294.6 (MANE Select); coding-DNA position 2252, G replaced by A.
Protein change: p.Arg751Gln; replaces arginine 751 with glutamine.
Molecular consequence: missense variant. On other transcripts: non-coding transcript variant (2).
Genome position (GRCh38, 1-based): chr17:59,028,420, C>T on the plus strand (G>A on the coding strand, the complement: TRIM37 is on the minus strand). VCF-style: chr17-59028420-C-T. GRCh37 (hg19) VCF-style: chr17-57105781-C-T.
Other names: p.Arg751Gln; c.2252G>A, p.Arg751Gln (NM_001005207.5, NM_001320988.3, NM_001320989.3 and 1 more transcripts); c.2150G>A, p.Arg717Gln (NM_001320987.3, NM_001353082.2); c.1886G>A, p.Arg629Gln (NM_001320990.3); c.1517G>A, p.Arg506Gln (NM_001353083.2); c.1790G>A, p.Arg597Gln (NM_001353085.2); c.2201G>A, p.Arg734Gln (NM_001353086.2); short protein forms R734Q, R717Q, R751Q, R629Q, R506Q, R597Q.
Identifiers: ClinVar variation 4542206 (VCV004542206.1).

ClinVar aggregate classification (germline): Uncertain significance (1 of 4 stars; one submission).

gnomAD v4.1: 6 of 1,611,420 alleles (0.00037%); highest among the groups gnomAD compares: African/African-American, 0.0027%; no homozygotes.

Submission:

Mayo Clinic Laboratories, Mayo Clinic
Classification: Uncertain significance. Last evaluated: 2025-02-25. Review status: criteria provided, single submitter. Criteria: ACMG Guidelines, 2015. Collection method: clinical testing. Allele origin: germline. Observed: 1 variant allele.
Comment: BP4_moderate, PM2_supporting